The following is an entry in ClinVar:

ClinVar aggregate classification (germline): Pathogenic/Likely pathogenic. Review status: criteria provided, multiple submitters, no conflicts (2 of 4 stars). 7 submissions from 7 submitters: Pathogenic (3); Likely pathogenic (4). Last evaluated 2025-10-06.

Conditions:
Hereditary cancer-predisposing syndrome. Also called: Hereditary neoplastic syndrome; Neoplastic Syndromes, Hereditary; Tumor predisposition; Hereditary Cancer Syndrome. Identifiers: Orphanet 140162, MedGen C0027672, MeSH D009386, MONDO:0015356.
Familial cancer of breast. Also called: Hereditary breast cancer; BREAST CANCER, FAMILIAL; hereditary breast carcinoma. Identifiers: Orphanet 227535, MedGen C0346153, MONDO:0016419, OMIM 114480. Disease mechanism: loss of function.

Submissions (7):

Ambry Genetics
Classification: Pathogenic for Hereditary cancer-predisposing syndrome. Last evaluated: 2025-10-06. Review status: criteria provided, single submitter. Criteria: Ambry Variant Classification Scheme 2023. Collection method: clinical testing. Allele origin: germline.
Comment: The c.2063dupA pathogenic mutation, located in coding exon 11 of the BARD1 gene, results from a duplication of A at nucleotide position 2063, causing a translational frameshift with a predicted alternate stop codon (p.D689Gfs*5). This alteration occurs at the 3' terminus of the gene, is not expected to trigger nonsense-mediated mRNA decay, and impacts the last 11% of the protein. However, premature stop codons are typically deleterious in nature and the impacted region is critical for protein function (Ambry internal data). Based on the supporting evidence, this variant is interpreted as a disease-causing mutation.

Labcorp Genetics (formerly Invitae), Labcorp
Classification: Likely pathogenic for Familial cancer of breast. Last evaluated: 2024-10-20. Review status: criteria provided, single submitter. Criteria: Invitae Variant Classification Sherloc (09022015). Collection method: clinical testing. Allele origin: germline.
Comment: This sequence change creates a premature translational stop signal (p.Asp689Glyfs*5) in the BARD1 gene. While this is not anticipated to result in nonsense mediated decay, it is expected to disrupt the last 89 amino acid(s) of the BARD1 protein. This variant is present in population databases (no rsID available, gnomAD 0.01%). This variant has not been reported in the literature in individuals affected with BARD1-related conditions. ClinVar contains an entry for this variant (Variation ID: 422826). This variant disrupts the C-terminal BRCT domain of BARD1 protein, which is required for chromosome stability and homology-directed repair (PMID: 17848578). A different variant (p.Val767fs) that lies downstream of this variant has been reported to affect BARD1 protein function (PMID: 30925164), this suggests that disruption of this region of the protein is causative of disease. In summary, the currently available evidence indicates that the variant is pathogenic, but additional data are needed to prove that conclusively. Therefore, this variant has been classified as Likely Pathogenic.

St. Jude Molecular Pathology, St. Jude Children's Research Hospital
Classification: Likely pathogenic for Familial cancer of breast. Last evaluated: 2023-10-18. Review status: criteria provided, single submitter. Criteria: St. Jude Assertion Criteria 2020. Collection method: clinical testing. Allele origin: germline.
Comment: The BARD1 c.2063dup (p.Asp689GlyfsTer5) change duplicates one nucleotide to cause a frameshift and the creation of a premature stop codon. This variant is not expected to result in nonsense-mediated decay, but it is predicted to disrupt the c-terminal BRCT domain required for chromosome stability and homology-directed repair (PMID: 17848578). This variant has a maximum subpopulation frequency of 0.011% in gnomAD v2.1.1. To our knowledge, this variant has not been reported in individuals with BARD1-associated diseases; however, downstream loss of function variants have been reported (PMID: 30925164; ClinVar ID: 820952, 863791). This variant is absent in a database of women older than 70 years of age who have never had cancer. In summary, this variant meets criteria to be classified as likely pathogenic.

Myriad Genetics, Inc.
Classification: Pathogenic for Familial cancer of breast. Last evaluated: 2023-05-25. Review status: criteria provided, single submitter. Criteria: Myriad Autosomal Dominant, Autosomal Recessive and X-Linked Classification Criteria (2023). Collection method: clinical testing. Allele origin: unknown.
Comment: This variant is considered pathogenic. This variant creates a frameshift predicted to result in premature protein truncation.

Baylor Genetics
Classification: Likely pathogenic for Familial cancer of breast. Last evaluated: 2022-12-19. Review status: criteria provided, single submitter. Criteria: ACMG Guidelines, 2015. Collection method: clinical testing. Allele origin: unknown.

Color Diagnostics, LLC DBA Color Health
Classification: Pathogenic for Hereditary cancer-predisposing syndrome. Last evaluated: 2020-01-24. Review status: criteria provided, single submitter. Criteria: ACMG Guidelines, 2015. Collection method: clinical testing. Allele origin: germline.
Comment: This variant inserts 1 nucleotide in exon 11 of the BARD1 gene, creating a frameshift and premature translation stop signal. This variant is expected to result in an absent or non-functional protein product. To our knowledge, this variant has not been reported in individuals affected with hereditary cancer in the literature. This variant has been identified in 1/31386 chromosomes in the general population by the Genome Aggregation Database (gnomAD). Loss of BARD1 function is a known mechanism of disease. Based on the available evidence, this variant is classified as Pathogenic.

GeneDx
Classification: Likely pathogenic. Last evaluated: 2016-11-29. Review status: criteria provided, single submitter. Criteria: GeneDx Variant Classification (06012015). Collection method: clinical testing. Allele origin: germline. Affected: yes.
Comment: This duplication of one nucleotide in BARD1 is denoted c.2063dupA at the cDNA level and p.Asp689GlyfsX5 (D689GfsX5) at the protein level. The normal sequence, with the base that is duplicated in brackets, is CCAA[dupA}GGAC. The duplication causes a frameshift which changes an Aspartic Acid to a Glycine at codon 689, and creates a premature stop codon at position 5 of the new reading frame. Even though this frameshift occurs in the last exon of the gene, and nonsense-mediated decay is not expected to occur, it is significant since the last 89 amino acids are no longer translated. Although this variant has not, to our knowledge, been reported in the literature, it is predicted to cause loss of normal protein function through protein truncation. Based on the currently available information, we consider this duplication to be a likely pathogenic variant.

Literature cited by the submitters: PubMed 29292755 (cited by Ambry Genetics); PubMed 17848578 (cited by Labcorp Genetics (formerly Invitae), Labcorp); PubMed 30925164 (cited by Labcorp Genetics (formerly Invitae), Labcorp).

NM_000465.4(BARD1):c.2063dup (p.Asp689fs)

Gene: BARD1 (BRCA1 associated RING domain 1; minus strand). Cytogenetic location: 2q35.
Variant type: Duplication.
Coding change: c.2063dup on transcript NM_000465.4 (MANE Select); coding-DNA position 2063, one base duplicated (A; older notation c.2063dupA).
Protein change: p.Asp689fs; shifts the reading frame from aspartic acid 689.
Molecular consequence: frameshift variant. On other transcripts: non-coding transcript variant (3).
Genome position (GRCh38, 1-based): chr2:214,728,947, T duplicated on the plus strand (A on the coding strand, the reverse complement: BARD1 is on the minus strand); the first of 3 consecutive T bases (chr2:214,728,947-214,728,949); duplicating any one gives the same sequence. VCF-style (leftmost placement, unchanged base first): chr2-214728946-C-CT. GRCh37 (hg19) VCF-style: chr2-215593670-C-CT.
Other names: c.2006dup, p.Asp670fs (NM_001282543.2); c.710dup, p.Asp238fs (NM_001282545.2); c.653dup, p.Asp219fs (NM_001282548.2); c.524dup, p.Asp176fs (NM_001282549.2); short protein forms D176fs, D219fs, D670fs, D689fs, D238fs.
Identifiers: ClinVar variation 422826 (VCV000422826.24), dbSNP rs1064796026, ClinGen allele CA16617428.